The following is an entry in ClinVar:

ClinVar aggregate classification (germline): Likely pathogenic (1 of 4 stars; one submission).

Conditions:
Polyglandular autoimmune syndrome, type 1 (APS1). Also called: Whitaker syndrome; PGA I; HYPOADRENOCORTICISM WITH HYPOPARATHYROIDISM AND SUPERFICIAL MONILIASIS; Autoimmune polyendocrinopathy syndrome, type I; Autoimmune polyendocrinopathy syndrome , type I, with or without reversible metaphyseal dysplasia; AUTOIMMUNE POLYENDOCRINE SYNDROME, TYPE I, WITH OR WITHOUT REVERSIBLE METAPHYSEAL DYSPLASIA. Identifiers: Orphanet 3453, MedGen C0085859, MONDO:0009411, OMIM 240300.

Submission:

Rady Children's Institute for Genomic Medicine, Rady Children's Hospital San Diego
Classification: Likely pathogenic for Polyglandular autoimmune syndrome, type 1. Last evaluated: 2017-10-31. Review status: criteria provided, single submitter. Criteria: ACMG Guidelines, 2015. Collection method: clinical testing. Allele origin: germline. Inheritance: Autosomal recessive inheritance. Affected: yes. Observed: 1 variant allele, 1 compound heterozygote.
Comment: The c.268T>C; p.Tyr90His is a missense variant in the AIRE gene. It lies within the caspase activation and recruitment domain (CARD) which is required for the localization and export of AIRE protein from cytoplasm to the nucleus as well as homodimerization (Passos et al 2017). The majority of the reported disease causing variants in the HSR domain are missense changes, thus supporting that this region is missense intolerant. A variant at the same location with a different amino acid change, p.Tyr90Cys, has been previously reported as pathogenic (Pearce et al 1998; Peterson et al 2004). This variant was observed in trans with a pathogenic AIRE variant. The c.268T>C variant is absent from population databases suggesting it is a rare variant. In silico analyses are predicted to be damaging. Based on the combined evidence, this variant is classified as likely pathogenic

NM_000383.4(AIRE):c.268T>C (p.Tyr90His)

Gene: AIRE (autoimmune regulator; plus strand). Cytogenetic location: 21q22.3.
Variant type: single nucleotide variant.
Coding change: c.268T>C on transcript NM_000383.4 (MANE Select); coding-DNA position 268, T replaced by C.
Protein change: p.Tyr90His; replaces tyrosine 90 with histidine.
Molecular consequence: missense variant.
Genome position (GRCh38, 1-based): chr21:44,286,692, T>C. VCF-style: chr21-44286692-T-C. GRCh37 (hg19) VCF-style: chr21-45706575-T-C.
Other names: short protein forms Y90H.
Identifiers: ClinVar variation 446118 (VCV000446118.2), dbSNP rs1555871902, ClinGen allele CA410423480.